The following is an entry in ClinVar:

ClinVar aggregate classification (germline): Conflicting classifications of pathogenicity. Review status: criteria provided, conflicting classifications (1 of 4 stars). 3 submissions from 3 submitters: Uncertain significance (2); Likely benign (1). Last evaluated 2025-12-15.

Conditions:
Hereditary cancer-predisposing syndrome. Also called: Hereditary neoplastic syndrome; Hereditary Cancer Syndrome; Neoplastic Syndromes, Hereditary; Tumor predisposition. Identifiers: Orphanet 140162, MedGen C0027672, MeSH D009386, MONDO:0015356.
Hereditary diffuse gastric adenocarcinoma (HDGC). Also called: DIFFUSE GASTRIC AND LOBULAR BREAST CANCER SYNDROME. Identifiers: Orphanet 26106, MedGen C1708349, MONDO:0007648, OMIM 137215.

Allele frequency attached by ClinVar (database versions not stated): gnomAD 0.00001 and 0.00002; TOPMed 0.00002.

Submissions (3):

Labcorp Genetics (formerly Invitae), Labcorp
Classification: Likely benign for Hereditary diffuse gastric adenocarcinoma. Last evaluated: 2025-12-15. Review status: criteria provided, single submitter. Criteria: Invitae Variant Classification Sherloc (09022015). Collection method: clinical testing. Allele origin: germline.

Color Diagnostics, LLC DBA Color Health
Classification: Uncertain significance for Hereditary cancer-predisposing syndrome. Last evaluated: 2018-12-17. Review status: criteria provided, single submitter. Criteria: ACMG Guidelines, 2015. Collection method: clinical testing. Allele origin: germline.

GeneDx
Classification: Uncertain significance. Last evaluated: 2016-06-14. Review status: criteria provided, single submitter. Criteria: GeneDx Variant Classification (06012015). Collection method: clinical testing. Allele origin: germline. Affected: yes.
Comment: This variant is denoted CDH1 c.1566-15C>A or IVS10-15C>A and consists of a C>A nucleotide substitution at the -15 position of intron 10 of the CDH1 gene. Multiple in silico models predict this variant to damage the nearby natural acceptor site, and to possibly cause abnormal gene splicing. However, in the absence of RNA or functional studies, the actual effect of this variant is unknown. This variant has not, to our knowledge, been published in the literature as pathogenic or benign. The cytosine (C) nucleotide that is altered is not conserved across species. Based on currently available information, it is unclear whether CDH1 c.1566-15C>A is pathogenic or benign. We consider it to be a variant of uncertain significance.

NM_004360.5(CDH1):c.1566-15C>A

Gene: CDH1 (cadherin 1; plus strand). Cytogenetic location: 16q22.1.
Variant type: single nucleotide variant.
Coding change: c.1566-15C>A on transcript NM_004360.5 (MANE Select); 15 bases into the intron before coding-DNA position 1566, C replaced by A.
Molecular consequence: intron variant.
Genome position (GRCh38, 1-based): chr16:68,819,265, C>A. VCF-style: chr16-68819265-C-A. GRCh37 (hg19) VCF-style: chr16-68853168-C-A.
Other names: c.1566-15C>A (LRG_301t1); c.18-15C>A (NM_001317185.2); c.-254-2736C>A (NM_001317186.2); c.1383-15C>A (NM_001317184.2).
Identifiers: ClinVar variation 419905 (VCV000419905.12), dbSNP rs1064794178, ClinGen allele CA16620250.